The following is an entry in ClinVar:

NM_000551.4(VHL):c.345C>T (p.His115=)

Genes: VHL (von Hippel-Lindau tumor suppressor; plus strand), LOC107303340 (3p25 von Hippel-Lindau tumor suppressor, E3 ubiquitin protein ligase Alu-mediated recombination region; plus strand). Cytogenetic location: 3p25.3.
Variant type: single nucleotide variant.
Coding change: c.345C>T on transcript NM_000551.4 (MANE Select); coding-DNA position 345, C replaced by T.
Protein change: p.His115=; no amino-acid change (histidine 115 retained).
Molecular consequence: synonymous variant. On other transcripts: intron variant (2).
Genome position (GRCh38, 1-based): chr3:10,146,518, C>T. VCF-style: chr3-10146518-C-T. GRCh37 (hg19) VCF-style: chr3-10188202-C-T.
Other names: c.*18-3269C>T (NM_001354723.2); c.341-3269C>T (NM_198156.3).
Identifiers: ClinVar variation 220751 (VCV000220751.18), dbSNP rs864622646, ClinGen allele CA348562.
Genomic context (GRCh38, chr3:10,146,518, plus strand): 5'-GCCACCGTGCCCAGCCACCGGTGTGGCTCTTTAACAACCTTTGCTTGTCCCGATAGGTCA[C>T]CTTTGGCTCTTCAGAGATGCAGGGACACACGATGGGCTTCTGGTTAACCAAACTGAATTA-3'
Protein context (NP_000542.1, residues 105-125): TGRRIHSYRG[His115=]LWLFRDAGTH

ClinVar aggregate classification (germline): Benign/Likely benign. Review status: criteria provided, multiple submitters, no conflicts (2 of 4 stars). 5 submissions from 5 submitters: Benign (1); Likely benign (3). 1 of the submissions does not count toward it. Last evaluated 2025-06-11.

Conditions:
Von Hippel-Lindau syndrome (VHLS). Also called: Von Hippel-Lindau; von Hippel–Lindau syndrome; VHL syndrome. Identifiers: Orphanet 892, MedGen C0019562, MONDO:0008667, OMIM 193300. Disease mechanism: loss of function.
Chuvash polycythemia. Also called: POLYCYTHEMIA, VHL-DEPENDENT. Identifiers: Orphanet 238557, MedGen C1837915, MONDO:0009892, OMIM 263400.
Hereditary cancer-predisposing syndrome. Also called: Tumor predisposition; Hereditary neoplastic syndrome; Neoplastic Syndromes, Hereditary; Hereditary Cancer Syndrome. Identifiers: Orphanet 140162, MedGen C0027672, MeSH D009386, MONDO:0015356.

Allele frequency attached by ClinVar (database versions not stated): gnomAD exomes below 0.00001.
gnomAD v4.1: 1 of 1,613,774 alleles (0.000062%); highest among the groups gnomAD compares: Non-Finnish European, 0.000085%; no homozygotes.

Submissions (5):

Myriad Genetics, Inc.
Classification: Benign for Von Hippel-Lindau syndrome. Last evaluated: 2025-06-11. Review status: criteria provided, single submitter. Criteria: Myriad Autosomal Dominant, Autosomal Recessive and X-Linked Classification Criteria (2023). Collection method: clinical testing. Allele origin: unknown.
Comment: This variant is considered benign. This variant is a silent/synonymous amino acid change and it is not expected to impact splicing.

Labcorp Genetics (formerly Invitae), Labcorp
Classification: Likely benign for Von Hippel-Lindau syndrome; Chuvash polycythemia. Last evaluated: 2025-05-18. Review status: criteria provided, single submitter. Criteria: Invitae Variant Classification Sherloc (09022015). Collection method: clinical testing. Allele origin: germline.

Ambry Genetics
Classification: Likely benign for Hereditary cancer-predisposing syndrome. Last evaluated: 2024-01-03. Review status: criteria provided, single submitter. Criteria: Ambry Variant Classification Scheme 2023. Collection method: clinical testing. Allele origin: germline.

All of Us Research Program, National Institutes of Health
Classification: Likely benign for Von Hippel-Lindau syndrome. Last evaluated: 2023-08-28. Review status: criteria provided, single submitter. Criteria: ACMG Guidelines, 2015. Collection method: clinical testing. Allele origin: germline. Inheritance: Autosomal dominant inheritance. Observed: 1 variant allele, 1 heterozygote.
Comment: This study involves interpretation of variants in research participants for the purpose of population health screening. Participant phenotype was not available at the time of variant classification. Additional details can be found in publication PMID: 35346344, PMCID: PMC8962531

Counsyl
Classification: Likely benign for Von Hippel-Lindau syndrome. Last evaluated: 2016-10-17. Review status: no assertion criteria provided. Collection method: clinical testing. Allele origin: unknown. Not counted in ClinVar's aggregate classification.